The following is an entry in ClinVar:

ClinVar aggregate classification (germline): Uncertain significance. Review status: criteria provided, multiple submitters, no conflicts (2 of 4 stars). 2 submissions from 2 submitters: Uncertain significance (2). Last evaluated 2023-01-17.

Allele frequency attached by ClinVar (database versions not stated): gnomAD 0.00001; TOPMed 0.00002; ExAC 0.00003; 1000 Genomes Project 30x 0.00016; 1000 Genomes Project 0.00020.
gnomAD v4.1: 50 of 1,597,306 alleles (0.0031%); highest among the groups gnomAD compares: Non-Finnish European, 0.0037%; no homozygotes.

Submissions (2):

Ambry Genetics
Classification: Uncertain significance. Last evaluated: 2023-01-17. Review status: criteria provided, single submitter. Criteria: Ambry Variant Classification Scheme 2023. Collection method: clinical testing. Allele origin: germline.

Labcorp Genetics (formerly Invitae), Labcorp
Classification: Uncertain significance. Last evaluated: 2022-05-08. Review status: criteria provided, single submitter. Criteria: Invitae Variant Classification Sherloc (09022015). Collection method: clinical testing. Allele origin: germline.
Comment: This sequence change replaces arginine, which is basic and polar, with tryptophan, which is neutral and slightly polar, at codon 1337 of the RUSC2 protein (p.Arg1337Trp). This variant is present in population databases (rs570488011, gnomAD 0.007%). This variant has not been reported in the literature in individuals affected with RUSC2-related conditions. Algorithms developed to predict the effect of missense changes on protein structure and function are either unavailable or do not agree on the potential impact of this missense change (SIFT: "Deleterious"; PolyPhen-2: "Benign"; Align-GVGD: "Class C0"). In summary, the available evidence is currently insufficient to determine the role of this variant in disease. Therefore, it has been classified as a Variant of Uncertain Significance.

NM_014806.5(RUSC2):c.4009C>T (p.Arg1337Trp)

Gene: RUSC2 (RUN and SH3 domain containing 2; plus strand). Cytogenetic location: 9p13.3.
Variant type: single nucleotide variant.
Coding change: c.4009C>T on transcript NM_014806.5 (MANE Select); coding-DNA position 4009, C replaced by T.
Protein change: p.Arg1337Trp; replaces arginine 1337 with tryptophan.
Molecular consequence: missense variant. On other transcripts: non-coding transcript variant (1).
Genome position (GRCh38, 1-based): chr9:35,560,649, C>T. VCF-style: chr9-35560649-C-T. GRCh37 (hg19) VCF-style: chr9-35560646-C-T.
Other names: c.4009C>T, p.Arg1337Trp (NM_001135999.2); c.1375C>T, p.Arg459Trp (NM_001330740.2); c.4009C>T (NM_001135999.1); short protein forms R459W, R1337W.
Identifiers: ClinVar variation 2162722 (VCV002162722.3), dbSNP rs570488011, ClinGen allele CA5044283.